The following is an entry in ClinVar:

ClinVar aggregate classification (germline): Uncertain significance (1 of 4 stars; one submission).

Conditions:
Aicardi-Goutieres syndrome 2. Identifiers: Orphanet 51, MedGen C3489724, MONDO:0012429, OMIM 610181.

Submission:

Myriad Genetics, Inc.
Classification: Uncertain significance for Aicardi-Goutieres syndrome 2. Last evaluated: 2025-09-22. Review status: criteria provided, single submitter. Criteria: Myriad Autosomal Dominant, Autosomal Recessive and X-Linked Classification Criteria (2023). Collection method: clinical testing. Allele origin: unknown.
Comment: NM_024570.3(RNASEH2B):c.881delT(M294Rfs*10) is a frameshift variant classified as a variant of uncertain significance in the context of Aicardi-Goutires syndrome, RNASEH2B-related. M294Rfs*10 has not been observed in cases with relevant disease. Relevant functional assessments of this variant are not available in the literature. M294Rfs*10 has not been observed in referenced population frequency databases. In summary, there is insufficient evidence to classify NM_024570.3(RNASEH2B):c.881delT(M294Rfs*10) as pathogenic or benign. Please note: this variant was assessed in the context of healthy population screening.

NM_024570.4(RNASEH2B):c.881del (p.Met294fs)

Gene: RNASEH2B (ribonuclease H2 subunit B; plus strand). Cytogenetic location: 13q14.3.
Variant type: Deletion.
Coding change: c.881del on transcript NM_024570.4 (MANE Select); coding-DNA position 881, one base deleted (T; older notation c.881delT).
Protein change: p.Met294fs; shifts the reading frame from methionine 294.
Molecular consequence: frameshift variant. On other transcripts: intron variant (2).
Genome position (GRCh38, 1-based): chr13:50,956,416, T deleted. VCF-style (leftmost placement, unchanged base first): chr13-50956415-AT-A. GRCh37 (hg19) VCF-style: chr13-51530551-AT-A.
Other names: c.741+6911del (NM_001142279.2); c.742-3729del (NM_001411023.1); short protein forms M294fs.
Identifiers: ClinVar variation 5004170 (VCV005004170.1).